The following is an entry in ClinVar:

ClinVar aggregate classification (germline): Uncertain significance (1 of 4 stars; one submission).

Allele frequency attached by ClinVar (database versions not stated): ExAC 0.00001; gnomAD 0.00001; TOPMed 0.00002.
gnomAD v4.1: 27 of 1,611,506 alleles (0.0017%); highest among the groups gnomAD compares: Admixed American, 0.0033%; no homozygotes.

Submission:

Labcorp Genetics (formerly Invitae), Labcorp
Classification: Uncertain significance. Last evaluated: 2022-07-08. Review status: criteria provided, single submitter. Criteria: Invitae Variant Classification Sherloc (09022015). Collection method: clinical testing. Allele origin: germline.
Comment: Algorithms developed to predict the effect of missense changes on protein structure and function are either unavailable or do not agree on the potential impact of this missense change (SIFT: "Tolerated"; PolyPhen-2: "Possibly Damaging"; Align-GVGD: "Class C0"). This sequence change replaces threonine, which is neutral and polar, with methionine, which is neutral and non-polar, at codon 144 of the NDUFA13 protein (p.Thr144Met). This variant is present in population databases (rs779884184, gnomAD 0.006%). This variant has not been reported in the literature in individuals affected with NDUFA13-related conditions. In summary, the available evidence is currently insufficient to determine the role of this variant in disease. Therefore, it has been classified as a Variant of Uncertain Significance.

NM_015965.7(NDUFA13):c.431C>T (p.Thr144Met)

Gene: NDUFA13 (NADH:ubiquinone oxidoreductase subunit A13; plus strand). Cytogenetic location: 19p13.11.
Variant type: single nucleotide variant.
Coding change: c.431C>T on transcript NM_015965.7 (MANE Select); coding-DNA position 431, C replaced by T.
Protein change: p.Thr144Met; replaces threonine 144 with methionine.
Molecular consequence: missense variant.
Genome position (GRCh38, 1-based): chr19:19,528,122, C>T. VCF-style: chr19-19528122-C-T. GRCh37 (hg19) VCF-style: chr19-19638931-C-T.
Other names: short protein forms T144M.
Identifiers: ClinVar variation 2177936 (VCV002177936.3), dbSNP rs779884184, ClinGen allele CA9327861.